The following is an entry in ClinVar:

ClinVar aggregate classification (germline): Uncertain significance (1 of 4 stars; one submission).

Conditions:
Hereditary cancer-predisposing syndrome. Also called: Neoplastic Syndromes, Hereditary; Tumor predisposition; Hereditary neoplastic syndrome; Hereditary Cancer Syndrome. Identifiers: Orphanet 140162, MedGen C0027672, MeSH D009386, MONDO:0015356.

Submission:

Ambry Genetics
Classification: Uncertain significance for Hereditary cancer-predisposing syndrome. Last evaluated: 2024-03-03. Review status: criteria provided, single submitter. Criteria: Ambry Variant Classification Scheme 2023. Collection method: clinical testing. Allele origin: germline.
Comment: The p.G2A variant (also known as c.5G>C), located in coding exon 1 of the PDGFRA gene, results from a G to C substitution at nucleotide position 5. The glycine at codon 2 is replaced by alanine, an amino acid with similar properties. This amino acid position is conserved. In addition, the in silico prediction for this alteration is inconclusive. Based on the available evidence, the clinical significance of this alteration remains unclear.

NM_006206.6(PDGFRA):c.5G>C (p.Gly2Ala)

Gene: PDGFRA (platelet derived growth factor receptor alpha; plus strand). Cytogenetic location: 4q12.
Variant type: single nucleotide variant.
Coding change: c.5G>C on transcript NM_006206.6 (MANE Select); coding-DNA position 5, G replaced by C.
Protein change: p.Gly2Ala; replaces glycine 2 with alanine.
Molecular consequence: missense variant.
Genome position (GRCh38, 1-based): chr4:54,258,773, G>C. VCF-style: chr4-54258773-G-C. GRCh37 (hg19) VCF-style: chr4-55124940-G-C.
Other names: c.80G>C, p.Gly27Ala (NM_001347828.2); c.5G>C, p.Gly2Ala (NM_001347827.2, NM_001347829.2); c.44G>C, p.Gly15Ala (NM_001347830.2); short protein forms G15A, G27A, G2A.
Identifiers: ClinVar variation 3225312 (VCV003225312.1), dbSNP rs2110235021, ClinGen allele CA356888045.